The following is an entry in ClinVar:

ClinVar aggregate classification (germline): Likely benign (0 of 4 stars; one submission).

Conditions:
DNAH2-related disorder. Also called: DNAH2-related condition.

Allele frequency attached by ClinVar (database versions not stated): TOPMed below 0.00001; gnomAD exomes 0.00001.
gnomAD v4.1: 8 of 702,536 alleles (0.0011%); highest among the groups gnomAD compares: Admixed American, 0.008%; no homozygotes.

Submission:

PreventionGenetics, part of Exact Sciences
Classification: Likely benign for DNAH2-related condition. Last evaluated: 2020-07-01. Review status: no assertion criteria provided. Collection method: clinical testing. Allele origin: germline.
Comment: This variant is classified as likely benign based on ACMG/AMP sequence variant interpretation guidelines (Richards et al. 2015 PMID: 25741868, with internal and published modifications).

NM_020877.5(DNAH2):c.1171-715G>A

Gene: DNAH2 (dynein axonemal heavy chain 2; plus strand). Cytogenetic location: 17p13.1.
Variant type: single nucleotide variant.
Coding change: c.1171-715G>A on transcript NM_020877.5 (MANE Select); 715 bases into the intron before coding-DNA position 1171, G replaced by A.
Molecular consequence: intron variant.
Genome position (GRCh38, 1-based): chr17:7,739,018, G>A. VCF-style: chr17-7739018-G-A. GRCh37 (hg19) VCF-style: chr17-7642336-G-A.
Other names: c.1416+4G>A (NM_001303270.2).
Identifiers: ClinVar variation 3035963 (VCV003035963.2), dbSNP rs1334992460, ClinGen allele CA624709330.